The following is an entry in ClinVar:

ClinVar aggregate classification (germline): Uncertain significance. Review status: criteria provided, multiple submitters, no conflicts (2 of 4 stars). 3 submissions from 3 submitters: Uncertain significance (3). Last evaluated 2026-03-24.

Conditions:
Cardiovascular phenotype. Identifiers: MedGen CN230736.
GPIHBP1-related disorder. Also called: GPIHBP1-related condition.

Allele frequency attached by ClinVar (database versions not stated): gnomAD 0.00001; ExAC 0.00010.
gnomAD v4.1: 55 of 1,612,880 alleles (0.0034%); highest among the groups gnomAD compares: South Asian, 0.041%; 1 homozygote.

Submissions (3):

PreventionGenetics, part of Exact Sciences
Classification: Uncertain significance for GPIHBP1-related condition. Last evaluated: 2026-03-24. Review status: criteria provided, single submitter. Criteria: ACMG Guidelines, 2015. Collection method: clinical testing. Allele origin: germline.
Comment: The GPIHBP1 c.323C>T variant is predicted to result in the amino acid substitution p.Thr108Met. This variant has been reported in a cohort study with hypertriglyceridemia (Table S2, Deshotels et al. 2022. PubMed ID: 36325899). Different missense variants affecting the same amino acid (p.Thr108Arg, p.Thr108Ala) have been reported in individuals with hypertriglyceridemia (Surendran et al. 2012. PubMed ID: 22239554; Chyzhyk et al. 2018. PubMed ID: 30352774; Table S2, Deshotels et al. 2022. PubMed ID: 36325899) suggesting that substitution of amino acid residue p.Thr108 is not tolerated. This variant is reported in 0.039% of alleles in individuals of South Asian descent in gnomAD. Although we suspect that this variant may be pathogenic, at this time, the clinical significance of this variant is uncertain due to the absence of conclusive functional and genetic evidence.

Ambry Genetics
Classification: Uncertain significance for Cardiovascular phenotype. Last evaluated: 2026-02-18. Review status: criteria provided, single submitter. Criteria: Ambry Variant Classification Scheme 2023. Collection method: clinical testing. Allele origin: germline.
Comment: The p.T108M variant (also known as c.323C>T), located in coding exon 4 of the GPIHBP1 gene, results from a C to T substitution at nucleotide position 323. The threonine at codon 108 is replaced by methionine, an amino acid with similar properties. This variant has been identified in the homozygous state and/or in conjunction with other GPIHBP1 variant(s) in individual(s) with consistent with chylomicronemia syndrome (Napier KR et al. Pathology, 2020 Jun;52:447-452; Bashir B et al. Arterioscler Thromb Vasc Biol, 2024 Nov;44:2334-2346). This amino acid position is poorly conserved in available vertebrate species. In addition, this alteration is predicted to be tolerated by in silico analysis. Based on the available evidence, the clinical significance of this variant remains unclear.

Labcorp Genetics (formerly Invitae), Labcorp
Classification: Uncertain significance. Last evaluated: 2023-10-17. Review status: criteria provided, single submitter. Criteria: Invitae Variant Classification Sherloc (09022015). Collection method: clinical testing. Allele origin: germline.
Comment: This sequence change replaces threonine, which is neutral and polar, with methionine, which is neutral and non-polar, at codon 108 of the GPIHBP1 protein (p.Thr108Met). This variant is present in population databases (rs752728823, gnomAD 0.04%). This missense change has been observed in individuals with clinical features of GPIHBP1-related conditions (Invitae). ClinVar contains an entry for this variant (Variation ID: 2136714). Algorithms developed to predict the effect of missense changes on protein structure and function output the following: SIFT: "Not Available"; PolyPhen-2: "Possibly Damaging"; Align-GVGD: "Not Available". The methionine amino acid residue is found in multiple mammalian species, which suggests that this missense change does not adversely affect protein function. This variant disrupts the p.Thr108 amino acid residue in GPIHBP1. Other variant(s) that disrupt this residue have been determined to be pathogenic (PMID: 22239554, 30352774; Invitae). This suggests that this residue is clinically significant, and that variants that disrupt this residue are likely to be disease-causing. In summary, the available evidence is currently insufficient to determine the role of this variant in disease. Therefore, it has been classified as a Variant of Uncertain Significance.

Literature cited by the submitters: PubMed 32276786 (cited by Ambry Genetics); PubMed 39234690 (cited by Ambry Genetics); PubMed 22239554 (cited by Labcorp Genetics (formerly Invitae), Labcorp); PubMed 30352774 (cited by Labcorp Genetics (formerly Invitae), Labcorp).

NM_178172.6(GPIHBP1):c.323C>T (p.Thr108Met)

Gene: GPIHBP1 (glycosylphosphatidylinositol anchored high density lipoprotein binding protein 1; plus strand). Cytogenetic location: 8q24.3.
Variant type: single nucleotide variant.
Coding change: c.323C>T on transcript NM_178172.6 (MANE Select); coding-DNA position 323, C replaced by T.
Protein change: p.Thr108Met; replaces threonine 108 with methionine.
Molecular consequence: missense variant.
Genome position (GRCh38, 1-based): chr8:143,215,286, C>T. VCF-style: chr8-143215286-C-T. GRCh37 (hg19) VCF-style: chr8-144297161-C-T.
Other names: c.323C>T, p.Thr108Met (NM_001301772.2); c.323C>T (NM_178172.5, NM_178172.3); short protein forms T108M.
Identifiers: ClinVar variation 2136714 (VCV002136714.4), dbSNP rs752728823, ClinGen allele CA4907111.
Genomic context (GRCh38, chr8:143,215,286, plus strand): 5'-TCCTCAGCACTTGTTCCCCACTCCCCTTCCCAGAGTCAGGCCTCCTGACCACCCACTCCA[C>T]GTGGTGCACAGACAGCTGCCAGCCCATCACCAAGACGGTGGAGGGGACCCAGGTGACCAT-3'
Protein context (NP_835466.2, residues 98-118): TESGLLTTHS[Thr108Met]WCTDSCQPIT